The following is an entry in ClinVar:

ClinVar aggregate classification (germline): Uncertain significance (1 of 4 stars; one submission).

Submission:

Ambry Genetics
Classification: Uncertain significance. Last evaluated: 2025-09-07. Review status: criteria provided, single submitter. Criteria: Ambry Variant Classification Scheme 2023. Collection method: clinical testing. Allele origin: germline.
Comment: The p.A42T variant (also known as c.124G>A), located in coding exon 1 of the ATRIP gene, results from a G to A substitution at nucleotide position 124. The alanine at codon 42 is replaced by threonine, an amino acid with similar properties. This amino acid position is conserved. In addition, this alteration is predicted to be tolerated by in silico analysis. Based on the available evidence, the clinical significance of this variant remains unclear.

NM_130384.3(ATRIP):c.124G>A (p.Ala42Thr)

Genes: ATRIP (ATR interacting protein; plus strand), ATRIP-TREX1 (ATRIP-TREX1 readthrough; plus strand), LOC129936703 (ATAC-STARR-seq lymphoblastoid silent region 14331; plus strand). Cytogenetic location: 3p21.31.
Variant type: single nucleotide variant.
Coding change: c.124G>A on transcript NM_130384.3 (MANE Select); coding-DNA position 124, G replaced by A.
Protein change: p.Ala42Thr; replaces alanine 42 with threonine.
Molecular consequence: missense variant. On other transcripts: non-coding transcript variant (1), intron variant (1).
Genome position (GRCh38, 1-based): chr3:48,446,969, G>A. VCF-style: chr3-48446969-G-A. GRCh37 (hg19) VCF-style: chr3-48488373-G-A.
Other names: c.124G>A, p.Ala42Thr (NM_032166.4); c.-218+170G>A (NM_001271022.2); short protein forms A42T.
Identifiers: ClinVar variation 4182770 (VCV004182770.1).
Genomic context (GRCh38, chr3:48,446,969, plus strand): 5'-CCGCCGCCGGGCACCGGGCACCCCCCGAGCAAGCGGGCCCGGGGCTTCTCCGCAGCCGCT[G>A]CCCCGGACCCTGACGACCCGTTCGGCGCGCATGGGGACTTCACTGCCGACGACCTGGAGG-3'
Protein context (NP_569055.1, residues 32-52): KRARGFSAAA[Ala42Thr]PDPDDPFGAH